The following is an entry in ClinVar:

NM_012203.2(GRHPR):c.788T>C (p.Ile263Thr)

Gene: GRHPR (glyoxylate and hydroxypyruvate reductase; plus strand). Cytogenetic location: 9p13.2.
Variant type: single nucleotide variant.
Coding change: c.788T>C on transcript NM_012203.2 (MANE Select); coding-DNA position 788, T replaced by C.
Protein change: p.Ile263Thr; replaces isoleucine 263 with threonine.
Molecular consequence: missense variant.
Genome position (GRCh38, 1-based): chr9:37,432,061, T>C. VCF-style: chr9-37432061-T-C. GRCh37 (hg19) VCF-style: chr9-37432058-T-C.
Other names: c.788T>C (NM_012203.1); short protein forms I263T.
Identifiers: ClinVar variation 1494976 (VCV001494976.4), dbSNP rs1205587022, ClinGen allele CA373444460.
Genomic context (GRCh38, chr9:37,432,061, plus strand): 5'-TTCCCAGGGGCGACGTCGTAAACCAGGACGACCTGTACCAGGCCTTGGCCAGTGGTAAGA[T>C]TGCAGCTGCTGGACTGGATGTGACGAGCCCAGAACCACTGCCTACAAACCACCCTCTCCT-3'
Protein context (NP_036335.1, residues 253-273): DLYQALASGK[Ile263Thr]AAAGLDVTSP

ClinVar aggregate classification (germline): Uncertain significance. Review status: criteria provided, multiple submitters, no conflicts (2 of 4 stars). 2 submissions from 2 submitters: Uncertain significance (2). Last evaluated 2025-10-21.

Conditions:
Nephrolithiasis/nephrocalcinosis. Identifiers: MedGen CN580796.

Allele frequency attached by ClinVar (database versions not stated): gnomAD 0.00001.
gnomAD v4.1: 3 of 1,613,966 alleles (0.00019%); highest among the groups gnomAD compares: East Asian, 0.0067%; no homozygotes.

Submissions (2):

Ambry Genetics
Classification: Uncertain significance for Nephrolithiasis/nephrocalcinosis. Last evaluated: 2025-10-21. Review status: criteria provided, single submitter. Criteria: Ambry Variant Classification Scheme 2023. Collection method: clinical testing. Allele origin: germline.

Labcorp Genetics (formerly Invitae), Labcorp
Classification: Uncertain significance. Last evaluated: 2021-11-05. Review status: criteria provided, single submitter. Criteria: Invitae Variant Classification Sherloc (09022015). Collection method: clinical testing. Allele origin: germline.
Comment: This sequence change replaces isoleucine, which is neutral and non-polar, with threonine, which is neutral and polar, at codon 263 of the GRHPR protein (p.Ile263Thr). This variant is present in population databases (no rsID available, gnomAD 0.06%). This variant has not been reported in the literature in individuals affected with GRHPR-related conditions. Advanced modeling of protein sequence and biophysical properties (such as structural, functional, and spatial information, amino acid conservation, physicochemical variation, residue mobility, and thermodynamic stability) performed at Invitae indicates that this missense variant is expected to disrupt GRHPR protein function. In summary, the available evidence is currently insufficient to determine the role of this variant in disease. Therefore, it has been classified as a Variant of Uncertain Significance.